The following is an entry in ClinVar:

NM_004336.5(BUB1):c.2183T>C (p.Leu728Pro)

Gene: BUB1 (BUB1 mitotic checkpoint serine/threonine kinase; minus strand). Cytogenetic location: 2q13.
Variant type: single nucleotide variant.
Coding change: c.2183T>C on transcript NM_004336.5 (MANE Select); coding-DNA position 2183, T replaced by C.
Protein change: p.Leu728Pro; replaces leucine 728 with proline.
Molecular consequence: missense variant.
Genome position (GRCh38, 1-based): chr2:110,650,566, A>G on the plus strand (T>C on the coding strand, the complement: BUB1 is on the minus strand). VCF-style: chr2-110650566-A-G. GRCh37 (hg19) VCF-style: chr2-111408143-A-G.
Other names: c.2123T>C, p.Leu708Pro (NM_001278616.2); c.2183T>C, p.Leu728Pro (NM_001278617.2); short protein forms L708P, L728P.
Identifiers: ClinVar variation 1787300 (VCV001787300.2), dbSNP rs768662095, ClinGen allele CA1827877.

ClinVar aggregate classification (germline): Uncertain significance (1 of 4 stars; one submission).

Allele frequency attached by ClinVar (database versions not stated): gnomAD exomes below 0.00001; ExAC 0.00001.
gnomAD v4.1: 5 of 1,613,772 alleles (0.00031%); highest among the groups gnomAD compares: South Asian, 0.0022%; no homozygotes.

Submission:

Ambry Genetics
Classification: Uncertain significance. Last evaluated: 2022-10-15. Review status: criteria provided, single submitter. Criteria: Ambry Variant Classification Scheme 2023. Collection method: clinical testing. Allele origin: germline.
Comment: The p.L728P variant (also known as c.2183T>C), located in coding exon 18 of the BUB1 gene, results from a T to C substitution at nucleotide position 2183. The leucine at codon 728 is replaced by proline, an amino acid with similar properties. This amino acid position is conserved. In addition, this alteration is predicted to be tolerated by in silico analysis. Since supporting evidence is limited at this time, the clinical significance of this alteration remains unclear.